The following is an entry in ClinVar:

ClinVar aggregate classification (germline): Uncertain significance. Review status: criteria provided, multiple submitters, no conflicts (2 of 4 stars). 3 submissions from 3 submitters: Uncertain significance (3). Last evaluated 2025-10-21.

Conditions:
Treacher Collins syndrome 1 (TCS1). Also called: TCOF1-Related Treacher Collins Syndrome. Identifiers: Orphanet 861, MedGen CN315775, MONDO:0007944, OMIM 154500.
Inborn genetic diseases. Identifiers: MedGen C0950123, MeSH D030342.

Allele frequency attached by ClinVar (database versions not stated): gnomAD exomes 0.00001; ExAC 0.00003; ESP Exome Variant Server 0.00008; gnomAD 0.00015.
gnomAD v4.1: 30 of 1,614,110 alleles (0.0019%); highest among the groups gnomAD compares: African/African-American, 0.037%; no homozygotes.

Submissions (3):

Ambry Genetics
Classification: Uncertain significance for Inborn genetic diseases. Last evaluated: 2025-10-21. Review status: criteria provided, single submitter. Criteria: Ambry Variant Classification Scheme 2023. Collection method: clinical testing. Allele origin: germline.

Labcorp Genetics (formerly Invitae), Labcorp
Classification: Uncertain significance for Treacher Collins syndrome 1. Last evaluated: 2025-08-12. Review status: criteria provided, single submitter. Criteria: Invitae Variant Classification Sherloc (09022015). Collection method: clinical testing. Allele origin: germline.
Comment: This sequence change replaces proline, which is neutral and non-polar, with arginine, which is basic and polar, at codon 234 of the TCOF1 protein (p.Pro234Arg). This variant is present in population databases (rs200344000, gnomAD 0.04%). This variant has not been reported in the literature in individuals affected with TCOF1-related conditions. ClinVar contains an entry for this variant (Variation ID: 1311727). An algorithm developed to predict the effect of missense changes on protein structure and function (PolyPhen-2) suggests that this variant is likely to be disruptive. In summary, the available evidence is currently insufficient to determine the role of this variant in disease. Therefore, it has been classified as a Variant of Uncertain Significance.

GeneDx
Classification: Uncertain significance. Last evaluated: 2020-10-06. Review status: criteria provided, single submitter. Criteria: GeneDx Variant Classification Process June 2021. Collection method: clinical testing. Allele origin: germline. Affected: yes.
Comment: In silico analysis, which includes protein predictors and evolutionary conservation, supports a deleterious effect; Has not been previously published as pathogenic or benign to our knowledge

NM_001371623.1(TCOF1):c.701C>G (p.Pro234Arg)

Gene: TCOF1 (treacle ribosome biogenesis factor 1; plus strand). Cytogenetic location: 5q32.
Variant type: single nucleotide variant.
Coding change: c.701C>G on transcript NM_001371623.1 (MANE Select); coding-DNA position 701, C replaced by G.
Protein change: p.Pro234Arg; replaces proline 234 with arginine.
Molecular consequence: missense variant. On other transcripts: intron variant (2).
Genome position (GRCh38, 1-based): chr5:150,372,067, C>G. VCF-style: chr5-150372067-C-G. GRCh37 (hg19) VCF-style: chr5-149751630-C-G.
Other names: c.640-2107C>G (NM_001135245.2, NM_000356.4); c.701C>G, p.Pro234Arg (NM_001008657.3, NM_001135243.2, NM_001135244.2 and 1 more transcripts); short protein forms P234R.
Identifiers: ClinVar variation 1311727 (VCV001311727.4), dbSNP rs200344000, ClinGen allele CA3510647.